The following is an entry in ClinVar:

ClinVar aggregate classification (germline): Conflicting classifications of pathogenicity. Review status: criteria provided, conflicting classifications (1 of 4 stars). 5 submissions from 5 submitters: Uncertain significance (4); Likely benign (1). Last evaluated 2026-09-11.

Conditions:
Hereditary cancer-predisposing syndrome. Also called: Neoplastic Syndromes, Hereditary; Hereditary Cancer Syndrome; Hereditary neoplastic syndrome; Tumor predisposition. Identifiers: Orphanet 140162, MedGen C0027672, MeSH D009386, MONDO:0015356.
Peutz-Jeghers syndrome (PJS). Also called: POLYPOSIS, HAMARTOMATOUS INTESTINAL; POLYPS-AND-SPOTS SYNDROME; Peutz-Jeghers polyposis; Periorificial lentiginosis syndrome. Identifiers: Orphanet 2869, MedGen C0031269, MeSH D010580, MONDO:0008280, OMIM 175200.

Submissions (5):

Ambry Genetics
Classification: Likely benign for Hereditary cancer-predisposing syndrome. Last evaluated: 2026-09-11. Review status: criteria provided, single submitter. Criteria: Ambry Variant Classification Scheme 2023. Collection method: clinical testing. Allele origin: germline.

Center for Genomic Medicine, Rigshospitalet, Copenhagen University Hospital
Classification: Uncertain significance. Last evaluated: 2025-03-04. Review status: criteria provided, single submitter. Criteria: ACMG Guidelines, 2015. Collection method: clinical testing. Allele origin: germline.

Color Diagnostics, LLC DBA Color Health
Classification: Uncertain significance for Hereditary cancer-predisposing syndrome. Last evaluated: 2023-12-05. Review status: criteria provided, single submitter. Criteria: ACMG Guidelines, 2015. Collection method: clinical testing. Allele origin: germline.
Comment: This missense variant replaces aspartic acid with glutamic acid at codon 359 of the STK11 protein. Computational prediction suggests that this variant may not impact protein structure and function (internally defined REVEL score threshold <= 0.5, PMID: 27666373). To our knowledge, functional studies have not been reported for this variant. This variant has not been reported in individuals affected with STK11-related disorders in the literature. This variant has not been identified in the general population by the Genome Aggregation Database (gnomAD). The available evidence is insufficient to determine the role of this variant in disease conclusively. Therefore, this variant is classified as a Variant of Uncertain Significance.

Labcorp Genetics (formerly Invitae), Labcorp
Classification: Uncertain significance for Peutz-Jeghers syndrome. Last evaluated: 2022-03-14. Review status: criteria provided, single submitter. Criteria: Invitae Variant Classification Sherloc (09022015). Collection method: clinical testing. Allele origin: germline.
Comment: In summary, the available evidence is currently insufficient to determine the role of this variant in disease. Therefore, it has been classified as a Variant of Uncertain Significance. Advanced modeling of protein sequence and biophysical properties (such as structural, functional, and spatial information, amino acid conservation, physicochemical variation, residue mobility, and thermodynamic stability) performed at Invitae indicates that this missense variant is not expected to disrupt STK11 protein function. ClinVar contains an entry for this variant (Variation ID: 630002). This variant has not been reported in the literature in individuals affected with STK11-related conditions. This variant is not present in population databases (gnomAD no frequency). This sequence change replaces aspartic acid, which is acidic and polar, with glutamic acid, which is acidic and polar, at codon 359 of the STK11 protein (p.Asp359Glu).

Genome-Nilou Lab
Classification: Uncertain significance for Peutz-Jeghers syndrome. Last evaluated: 2021-07-15. Review status: criteria provided, single submitter. Criteria: ACMG Guidelines, 2015. Collection method: clinical testing. Allele origin: germline. Affected: no.

NM_000455.5(STK11):c.1077C>G (p.Asp359Glu)

Genes: STK11 (serine/threonine kinase 11; plus strand), LOC130062899 (ATAC-STARR-seq lymphoblastoid active region 13597; plus strand). Cytogenetic location: 19p13.3.
Variant type: single nucleotide variant.
Coding change: c.1077C>G on transcript NM_000455.5 (MANE Select); coding-DNA position 1077, C replaced by G.
Protein change: p.Asp359Glu; replaces aspartic acid 359 with glutamic acid.
Molecular consequence: missense variant.
Genome position (GRCh38, 1-based): chr19:1,223,141, C>G. VCF-style: chr19-1223141-C-G. GRCh37 (hg19) VCF-style: chr19-1223140-C-G.
Other names: short protein forms D359E.
Identifiers: ClinVar variation 630002 (VCV000630002.21), dbSNP rs1321578734, ClinGen allele CA402951895.